The following is an entry in ClinVar:

NM_199420.4(POLQ):c.5530T>C (p.Trp1844Arg)

Gene: POLQ (DNA polymerase theta; minus strand). Cytogenetic location: 3q13.33.
Variant type: single nucleotide variant.
Coding change: c.5530T>C on transcript NM_199420.4 (MANE Select); coding-DNA position 5530, T replaced by C.
Protein change: p.Trp1844Arg; replaces tryptophan 1844 with arginine.
Molecular consequence: missense variant.
Genome position (GRCh38, 1-based): chr3:121,487,401, A>G on the plus strand (T>C on the coding strand, the complement: POLQ is on the minus strand). VCF-style: chr3-121487401-A-G. GRCh37 (hg19) VCF-style: chr3-121206248-A-G.
Other names: short protein forms W1844R.
Identifiers: ClinVar variation 3230066 (VCV003230066.1), dbSNP rs2546784627, ClinGen allele CA354089973.

ClinVar aggregate classification (germline): Uncertain significance (1 of 4 stars; one submission).

Submission:

Ambry Genetics
Classification: Uncertain significance. Last evaluated: 2024-01-07. Review status: criteria provided, single submitter. Criteria: Ambry Variant Classification Scheme 2023. Collection method: clinical testing. Allele origin: germline.
Comment: The p.W1844R variant (also known as c.5530T>C), located in coding exon 16 of the POLQ gene, results from a T to C substitution at nucleotide position 5530. The tryptophan at codon 1844 is replaced by arginine, an amino acid with dissimilar properties. This amino acid position is conserved. In addition, the in silico prediction for this alteration is inconclusive. Since supporting evidence is limited at this time, the clinical significance of this alteration remains unclear.